The following is an entry in ClinVar:

NM_000059.4(BRCA2):c.6655T>C (p.Ser2219Pro)

Gene: BRCA2 (BRCA2 DNA repair associated; plus strand). Cytogenetic location: 13q13.1.
Variant type: single nucleotide variant.
Coding change: c.6655T>C on transcript NM_000059.4 (MANE Select); coding-DNA position 6655, T replaced by C.
Protein change: p.Ser2219Pro; replaces serine 2219 with proline.
Molecular consequence: missense variant. On other transcripts: non-coding transcript variant (1), intron variant (2).
Genome position (GRCh38, 1-based): chr13:32,341,010, T>C. VCF-style: chr13-32341010-T-C. GRCh37 (hg19) VCF-style: chr13-32915147-T-C.
Other names: c.6655T>C, p.Ser2219Pro (NM_001406719.1, NM_001406720.1, NM_001432077.1); c.1910-3548T>C (NM_001406721.1); c.425-3548T>C (NM_001406722.1); short protein forms S2219P.
Identifiers: ClinVar variation 3636510 (VCV003636510.2).

ClinVar aggregate classification (germline): Uncertain significance (1 of 4 stars; one submission).

Conditions:
Hereditary breast ovarian cancer syndrome. Also called: Hereditary breast and ovarian cancer syndrome; Hereditary breast and ovarian cancer syndrome (HBOC); BRCA1- and BRCA2-Associated Hereditary Breast and Ovarian Cancer; Hereditary breast and ovarian cancer; Breast and ovarian cancer; Hereditary breast and/or ovarian cancer syndrome. Identifiers: Orphanet 145, MedGen C0677776, MeSH D061325, MONDO:0003582. Disease mechanism: loss of function.

Submission:

Labcorp Genetics (formerly Invitae), Labcorp
Classification: Uncertain significance for Hereditary breast ovarian cancer syndrome. Last evaluated: 2024-11-25. Review status: criteria provided, single submitter. Criteria: Invitae Variant Classification Sherloc (09022015). Collection method: clinical testing. Allele origin: germline.
Comment: This sequence change replaces serine, which is neutral and polar, with proline, which is neutral and non-polar, at codon 2219 of the BRCA2 protein (p.Ser2219Pro). This variant is not present in population databases (gnomAD no frequency). This variant has not been reported in the literature in individuals affected with BRCA2-related conditions. Invitae Evidence Modeling of protein sequence and biophysical properties (such as structural, functional, and spatial information, amino acid conservation, physicochemical variation, residue mobility, and thermodynamic stability) indicates that this missense variant is not expected to disrupt BRCA2 protein function with a negative predictive value of 95%. In summary, the available evidence is currently insufficient to determine the role of this variant in disease. Therefore, it has been classified as a Variant of Uncertain Significance.